The following is an entry in ClinVar:

NM_001371986.1(UNC80):c.1427T>C (p.Phe476Ser)

Gene: UNC80 (unc-80 subunit of NALCN channel complex; plus strand). Cytogenetic location: 2q34.
Variant type: single nucleotide variant.
Coding change: c.1427T>C on transcript NM_001371986.1 (MANE Select); coding-DNA position 1427, T replaced by C.
Protein change: p.Phe476Ser; replaces phenylalanine 476 with serine.
Molecular consequence: missense variant.
Genome position (GRCh38, 1-based): chr2:209,817,000, T>C. VCF-style: chr2-209817000-T-C. GRCh37 (hg19) VCF-style: chr2-210681724-T-C.
Other names: c.1427T>C, p.Phe476Ser (NM_032504.2, NM_182587.4); short protein forms F476S.
Identifiers: ClinVar variation 3004544 (VCV003004544.3), dbSNP rs2470963989, ClinGen allele CA350134584.
Genomic context (GRCh38, chr2:209,817,000, plus strand): 5'-AAGGCTCCATTCCATTCCACCACACAGGCAAGAGGAGGCCACGGAGAATGGGAGTGCCCT[T>C]CCTGCTTCACGAGGACCACCTGGATGTGTCCCCCACGCGCAGCACATTCTCCTTTGGAAG-3'
Protein context (NP_001358915.1, residues 466-486): KRRPRRMGVP[Phe476Ser]LLHEDHLDVS

ClinVar aggregate classification (germline): Uncertain significance (1 of 4 stars; one submission).

Submission:

Labcorp Genetics (formerly Invitae), Labcorp
Classification: Uncertain significance. Last evaluated: 2023-03-27. Review status: criteria provided, single submitter. Criteria: Invitae Variant Classification Sherloc (09022015). Collection method: clinical testing. Allele origin: germline.
Comment: In summary, the available evidence is currently insufficient to determine the role of this variant in disease. Therefore, it has been classified as a Variant of Uncertain Significance. An algorithm developed to predict the effect of missense changes on protein structure and function (PolyPhen-2) suggests that this variant is likely to be disruptive. This variant has not been reported in the literature in individuals affected with UNC80-related conditions. This sequence change replaces phenylalanine, which is neutral and non-polar, with serine, which is neutral and polar, at codon 476 of the UNC80 protein (p.Phe476Ser). This variant is not present in population databases (gnomAD no frequency).